The following is an entry in ClinVar:

ClinVar aggregate classification (germline): Uncertain significance (1 of 4 stars; one submission).

Conditions:
CUBN-related disorder. Also called: CUBN-related condition.

gnomAD v4.1: 1 of 1,613,994 alleles (0.000062%); highest among the groups gnomAD compares: Admixed American, 0.0017%; no homozygotes.

Submission:

3billion
Classification: Uncertain significance for CUBN-related disorder. Last evaluated: 2024-09-13. Review status: criteria provided, single submitter. Criteria: ACMG Guidelines, 2015. Collection method: clinical testing. Allele origin: germline. Affected: yes.
Comment: The variant is observed at an extremely low frequency in the gnomAD v4.0.0 dataset (total allele frequency: <0.001%). Predicted Consequence/Location: Missense variant. The majority of the known disease-causing variants of this gene are variants expected to result in premature termination of the protein. Damaging effect on gene or gene product predicted by in silico programs is uncertain [REVEL: 0.50 (damaging >=0.6, benign <0.4)]. Therefore, this variant is classified as VUS according to the recommendation of ACMG/AMP guideline.

NM_001081.4(CUBN):c.10811T>A (p.Ile3604Lys)

Gene: CUBN (cubilin; minus strand). Cytogenetic location: 10p13.
Variant type: single nucleotide variant.
Coding change: c.10811T>A on transcript NM_001081.4 (MANE Select); coding-DNA position 10811, T replaced by A.
Protein change: p.Ile3604Lys; replaces isoleucine 3604 with lysine.
Molecular consequence: missense variant.
Genome position (GRCh38, 1-based): chr10:16,825,036, A>T on the plus strand (T>A on the coding strand, the complement: CUBN is on the minus strand). VCF-style: chr10-16825036-A-T. GRCh37 (hg19) VCF-style: chr10-16867035-A-T.
Other names: short protein forms I3604K.
Identifiers: ClinVar variation 4292732 (VCV004292732.1).